The following is an entry in ClinVar:

NM_006662.3(SRCAP):c.1112A>G (p.Glu371Gly)

Gene: SRCAP (Snf2 related CREBBP activator protein; plus strand). Cytogenetic location: 16p11.2.
Variant type: single nucleotide variant.
Coding change: c.1112A>G on transcript NM_006662.3 (MANE Select); coding-DNA position 1112, A replaced by G.
Protein change: p.Glu371Gly; replaces glutamic acid 371 with glycine.
Molecular consequence: missense variant.
Genome position (GRCh38, 1-based): chr16:30,710,106, A>G. VCF-style: chr16-30710106-A-G. GRCh37 (hg19) VCF-style: chr16-30721427-A-G.
Other names: short protein forms E371G.
Identifiers: ClinVar variation 5019187 (VCV005019187.2).

ClinVar aggregate classification (germline): Uncertain significance (1 of 4 stars; one submission).

Conditions:
Floating-Harbor syndrome (FLHS). Also called: Short stature with delayed bone age, expressive language delay, a triangular face with a prominent nose and deep-set eyes; Pelletier-Leisti syndrome; SRCAP-Related Floating-Harbor Syndrome. Identifiers: Orphanet 2044, MedGen C0729582, MONDO:0007621, OMIM 136140.
Developmental delay, hypotonia, musculoskeletal defects, and behavioral abnormalities. Identifiers: MedGen C5562012, MONDO:0859202, OMIM 619595.

gnomAD v4.1: 1 of 1,613,968 alleles (0.000062%); highest among the groups gnomAD compares: Admixed American, 0.0017%; no homozygotes.

Submission:

Juno Genomics, Hangzhou Juno Genomics, Inc
Classification: Uncertain significance for Developmental delay, hypotonia, musculoskeletal defects, and behavioral abnormalities; Floating-Harbor syndrome. Review status: criteria provided, single submitter. Criteria: ACMG Guidelines, 2015. Collection method: clinical testing. Allele origin: germline.
Comment: Absent from controls (or at extremely low frequency if recessive) in Genome Aggregation Database.;Missense variant in a gene that has a low rate of benign missense variation.